The following is an entry in ClinVar:

ClinVar aggregate classification (germline): Uncertain significance (1 of 4 stars; one submission).

Conditions:
Neurodevelopmental disorder with or without hyperkinetic movements and seizures, autosomal dominant. Also called: Intellectual disability, autosomal dominant 8. Identifiers: MedGen C3280282, MONDO:0013655, OMIM 614254.

Allele frequency attached by ClinVar (database versions not stated): TOPMed below 0.00001; gnomAD 0.00001.

Submission:

Labcorp Genetics (formerly Invitae), Labcorp
Classification: Uncertain significance for Neurodevelopmental disorder with or without hyperkinetic movements and seizures, autosomal dominant. Last evaluated: 2025-04-01. Review status: criteria provided, single submitter. Criteria: Invitae Variant Classification Sherloc (09022015). Collection method: clinical testing. Allele origin: germline.
Comment: This sequence change replaces arginine, which is basic and polar, with serine, which is neutral and polar, at codon 906 of the GRIN1 protein (p.Arg906Ser). This variant is not present in population databases (gnomAD no frequency). This variant has not been reported in the literature in individuals affected with GRIN1-related conditions. ClinVar contains an entry for this variant (Variation ID: 581377). Invitae Evidence Modeling of protein sequence and biophysical properties (such as structural, functional, and spatial information, amino acid conservation, physicochemical variation, residue mobility, and thermodynamic stability) indicates that this missense variant is expected to disrupt GRIN1 protein function with a positive predictive value of 95%. In summary, the available evidence is currently insufficient to determine the role of this variant in disease. Therefore, it has been classified as a Variant of Uncertain Significance.

NM_007327.4(GRIN1):c.2716C>A (p.Arg906Ser)

Gene: GRIN1 (glutamate ionotropic receptor NMDA type subunit 1; plus strand). Cytogenetic location: 9q34.3.
Variant type: single nucleotide variant.
Coding change: c.2716C>A on transcript NM_007327.4 (MANE Select); coding-DNA position 2716, C replaced by A.
Protein change: p.Arg906Ser; replaces arginine 906 with serine.
Molecular consequence: missense variant. On other transcripts: intron variant (3).
Genome position (GRCh38, 1-based): chr9:137,167,426, C>A. VCF-style: chr9-137167426-C-A. GRCh37 (hg19) VCF-style: chr9-140061878-C-A.
Other names: c.2605C>A, p.Arg869Ser (NM_021569.4); c.2764-348C>A (NM_001185090.2); c.2653-348C>A (NM_001185091.2); c.2590-348C>A (NM_000832.7); short protein forms R906S, R869S.
Identifiers: ClinVar variation 581377 (VCV000581377.9), dbSNP rs200007767, ClinGen allele CA201691140.